The following is an entry in ClinVar:

ClinVar aggregate classification (germline): Likely pathogenic (1 of 4 stars; one submission).

Allele frequency attached by ClinVar (database versions not stated): gnomAD exomes below 0.00001.
gnomAD v4.1: 1 of 1,613,886 alleles (0.000062%); highest among the groups gnomAD compares: Non-Finnish European, 0.000085%; no homozygotes.

Submission:

Labcorp Genetics (formerly Invitae), Labcorp
Classification: Likely pathogenic. Last evaluated: 2023-11-13. Review status: criteria provided, single submitter. Criteria: Invitae Variant Classification Sherloc (09022015). Collection method: clinical testing. Allele origin: germline.
Comment: This sequence change replaces threonine, which is neutral and polar, with alanine, which is neutral and non-polar, at codon 370 of the MUT protein (p.Thr370Ala). This variant is not present in population databases (gnomAD no frequency). This variant has not been reported in the literature in individuals affected with MUT-related conditions. Advanced modeling of protein sequence and biophysical properties (such as structural, functional, and spatial information, amino acid conservation, physicochemical variation, residue mobility, and thermodynamic stability) performed at Invitae indicates that this missense variant is expected to disrupt MUT protein function with a positive predictive value of 95%. This variant disrupts the p.Thr370 amino acid residue in MUT. Other variant(s) that disrupt this residue have been determined to be pathogenic (PMID: 16281286). This suggests that this residue is clinically significant, and that variants that disrupt this residue are likely to be disease-causing. In summary, the currently available evidence indicates that the variant is pathogenic, but additional data are needed to prove that conclusively. Therefore, this variant has been classified as Likely Pathogenic.

Literature cited by the submitters: PubMed 16281286.

NM_000255.4(MMUT):c.1108A>G (p.Thr370Ala)

Gene: MMUT (methylmalonyl-CoA mutase; minus strand). Cytogenetic location: 6p12.3.
Variant type: single nucleotide variant.
Coding change: c.1108A>G on transcript NM_000255.4 (MANE Select); coding-DNA position 1108, A replaced by G.
Protein change: p.Thr370Ala; replaces threonine 370 with alanine.
Molecular consequence: missense variant.
Genome position (GRCh38, 1-based): chr6:49,451,690, T>C on the plus strand (A>G on the coding strand, the complement: MMUT is on the minus strand). VCF-style: chr6-49451690-T-C. GRCh37 (hg19) VCF-style: chr6-49419403-T-C.
Other names: short protein forms T370A.
Identifiers: ClinVar variation 2713054 (VCV002713054.3), dbSNP rs368790885, ClinGen allele CA364399125.